The following is an entry in ClinVar:

ClinVar aggregate classification (germline): Uncertain significance (1 of 4 stars; one submission).

Allele frequency attached by ClinVar (database versions not stated): ExAC 0.00001.

Submission:

CeGaT Center for Human Genetics Tuebingen
Classification: Uncertain significance. Last evaluated: 2022-11-01. Review status: criteria provided, single submitter. Criteria: CeGaT Center For Human Genetics Tuebingen Variant Classification Criteria Version 2. Collection method: clinical testing. Allele origin: germline. Affected: yes. Observed: 1 variant allele.
Comment: TBX6: PM2, BP4

NM_004608.4(TBX6):c.958C>G (p.Arg320Gly)

Gene: TBX6 (T-box transcription factor 6; minus strand). Cytogenetic location: 16p11.2.
Variant type: single nucleotide variant.
Coding change: c.958C>G on transcript NM_004608.4 (MANE Select); coding-DNA position 958, C replaced by G.
Protein change: p.Arg320Gly; replaces arginine 320 with glycine.
Molecular consequence: missense variant.
Genome position (GRCh38, 1-based): chr16:30,086,651, G>C on the plus strand (C>G on the coding strand, the complement: TBX6 is on the minus strand). VCF-style: chr16-30086651-G-C. GRCh37 (hg19) VCF-style: chr16-30097972-G-C.
Other names: short protein forms R320G.
Identifiers: ClinVar variation 2646379 (VCV002646379.24), dbSNP rs772913246, ClinGen allele CA8001719.
Genomic context (GRCh38, chr16:30,086,651, plus strand): 5'-GAGGTGCCGGGGCAGCGGTGGCTTCCCCGGGGGCTGGGGCCTGTTCTGGATCTGATTCAC[G>C]AATGTCTCCACCCAGGGTGGAGTCGCAGGGACCACCTGGTGTGTCTGGGGAGAGGGAAGG-3'
Protein context (NP_004599.2, residues 310-330): PCDSTLGGDI[Arg320Gly]ESDPEQAPAP